The following is an entry in ClinVar:

ClinVar aggregate classification (germline): Likely benign. Review status: criteria provided, multiple submitters, no conflicts (2 of 4 stars). 2 submissions from 2 submitters: Likely benign (2). Last evaluated 2024-09-09.

Allele frequency attached by ClinVar (database versions not stated): gnomAD exomes 0.00003 and 0.00004; ExAC 0.00004; gnomAD 0.00006; TOPMed 0.00009.
gnomAD v4.1: 68 of 1,598,326 alleles (0.0043%); highest among the groups gnomAD compares: Middle Eastern, 0.05%; 1 homozygote.

Submissions (2):

Blueprint Genetics
Classification: Likely benign. Last evaluated: 2024-09-09. Review status: criteria provided, single submitter. Criteria: ACMG Guidelines, 2015. Collection method: clinical testing. Allele origin: germline.

GeneDx
Classification: Likely benign. Last evaluated: 2018-06-18. Review status: criteria provided, single submitter. Criteria: GeneDx Variant Classification (06012015). Collection method: clinical testing. Allele origin: germline. Affected: yes.
Comment: This variant is considered likely benign or benign based on one or more of the following criteria: it is a conservative change, it occurs at a poorly conserved position in the protein, it is predicted to be benign by multiple in silico algorithms, and/or has population frequency not consistent with disease.

NM_004614.4(TK2):c.-199T>C

Gene: TK2 (thymidine kinase 2; minus strand). Cytogenetic location: 16q21.
Variant type: single nucleotide variant.
Coding change: c.-199T>C on transcript NM_004614.4; 199 bases upstream of the start codon, T replaced by C.
Molecular consequence: synonymous variant (on NM_001172643.1).
Genome position (GRCh38, 1-based): chr16:66,550,260, A>G on the plus strand (T>C on the coding strand, the complement: TK2 is on the minus strand). VCF-style: chr16-66550260-A-G. GRCh37 (hg19) VCF-style: chr16-66584163-A-G.
Other names: c.24T>C, p.Pro8= (NM_001172643.1, NM_001271935.1).
Identifiers: ClinVar variation 669178 (VCV000669178.4), dbSNP rs759093373, ClinGen allele CA8093908.